The following is an entry in ClinVar:

NM_014956.5(CEP164):c.1582C>A (p.Gln528Lys)

Gene: CEP164 (centrosomal protein 164; plus strand). Cytogenetic location: 11q23.3.
Variant type: single nucleotide variant.
Coding change: c.1582C>A on transcript NM_014956.5 (MANE Select); coding-DNA position 1582, C replaced by A.
Protein change: p.Gln528Lys; replaces glutamine 528 with lysine.
Molecular consequence: missense variant. On other transcripts: intron variant (27).
Genome position (GRCh38, 1-based): chr11:117,382,800, C>A. VCF-style: chr11-117382800-C-A. GRCh37 (hg19) VCF-style: chr11-117253516-C-A.
Other names: c.1591C>A, p.Gln531Lys (NM_001271933.2, NM_001440949.1); c.1582C>A, p.Gln528Lys (NM_001440950.1, NM_001440951.1, NM_001440953.1 and 1 more transcripts); c.1504C>A, p.Gln502Lys (NM_001440954.1, NM_001440955.1, NM_001440958.1 and 2 more transcripts); c.1453C>A, p.Gln485Lys (NM_001440960.1); c.1423C>A, p.Gln475Lys (NM_001440972.1); c.1586+932C>A (NM_001440967.1, NM_001440961.1); c.1637+932C>A (NM_001440956.1, NM_001440957.1); c.1577+932C>A (NM_001440962.1, NM_001440970.1, NM_001440964.1 and 6 more transcripts); and 2 more; short protein forms Q502K, Q531K, Q485K, Q475K, Q528K.
Identifiers: ClinVar variation 4712674 (VCV004712674.1).

ClinVar aggregate classification (germline): Uncertain significance (1 of 4 stars; one submission).

Conditions:
Nephronophthisis 15 (NPHP15). Identifiers: Orphanet 3156, MedGen C3541853, MONDO:0013917, OMIM 614845.

Submission:

Labcorp Genetics (formerly Invitae), Labcorp
Classification: Uncertain significance for Nephronophthisis 15. Last evaluated: 2025-04-02. Review status: criteria provided, single submitter. Criteria: Invitae Variant Classification Sherloc (09022015). Collection method: clinical testing. Allele origin: germline.
Comment: This sequence change replaces glutamine, which is neutral and polar, with lysine, which is basic and polar, at codon 528 of the CEP164 protein (p.Gln528Lys). This variant is not present in population databases (gnomAD no frequency). This variant has not been reported in the literature in individuals affected with CEP164-related conditions. An algorithm developed to predict the effect of missense changes on protein structure and function (PolyPhen-2) suggests that this variant is likely to be tolerated. In summary, the available evidence is currently insufficient to determine the role of this variant in disease. Therefore, it has been classified as a Variant of Uncertain Significance.